The following is an entry in ClinVar:

ClinVar aggregate classification (germline): Uncertain significance. Review status: criteria provided, multiple submitters, no conflicts (2 of 4 stars). 2 submissions from 2 submitters: Uncertain significance (2). Last evaluated 2025-02-10.

Conditions:
Inborn genetic diseases. Identifiers: MedGen C0950123, MeSH D030342.

Allele frequency attached by ClinVar (database versions not stated): gnomAD 0.00001; gnomAD exomes 0.00001 and 0.00002.

Submissions (2):

Labcorp Genetics (formerly Invitae), Labcorp
Classification: Uncertain significance. Last evaluated: 2025-02-10. Review status: criteria provided, single submitter. Criteria: Invitae Variant Classification Sherloc (09022015). Collection method: clinical testing. Allele origin: germline.
Comment: This sequence change replaces glycine, which is neutral and non-polar, with cysteine, which is neutral and slightly polar, at codon 315 of the PLK4 protein (p.Gly315Cys). This variant is present in population databases (no rsID available, gnomAD 0.006%). This variant has not been reported in the literature in individuals affected with PLK4-related conditions. ClinVar contains an entry for this variant (Variation ID: 1039115). An algorithm developed to predict the effect of missense changes on protein structure and function (PolyPhen-2) suggests that this variant is likely to be disruptive. In summary, the available evidence is currently insufficient to determine the role of this variant in disease. Therefore, it has been classified as a Variant of Uncertain Significance.

Ambry Genetics
Classification: Uncertain significance for Inborn genetic diseases. Last evaluated: 2023-02-27. Review status: criteria provided, single submitter. Criteria: Ambry Variant Classification Scheme 2023. Collection method: clinical testing. Allele origin: germline.

NM_014264.5(PLK4):c.943G>T (p.Gly315Cys)

Gene: PLK4 (polo like kinase 4; plus strand). Cytogenetic location: 4q28.1.
Variant type: single nucleotide variant.
Coding change: c.943G>T on transcript NM_014264.5 (MANE Select); coding-DNA position 943, G replaced by T.
Protein change: p.Gly315Cys; replaces glycine 315 with cysteine.
Molecular consequence: missense variant.
Genome position (GRCh38, 1-based): chr4:127,886,313, G>T. VCF-style: chr4-127886313-G-T. GRCh37 (hg19) VCF-style: chr4-128807468-G-T.
Other names: c.847G>T, p.Gly283Cys (NM_001190799.2); c.820G>T, p.Gly274Cys (NM_001190801.2); c.943G>T (NM_014264.4); short protein forms G274C, G315C, G283C.
Identifiers: ClinVar variation 1039115 (VCV001039115.5), dbSNP rs998993350, ClinGen allele CA105636923.